The following is an entry in ClinVar:

ClinVar aggregate classification (germline): Benign/Likely benign. Review status: criteria provided, multiple submitters, no conflicts (2 of 4 stars). 6 submissions from 6 submitters: Benign (3); Likely benign (2). 1 of the submissions does not count toward it. Last evaluated 2026-01-24.

Conditions:
Fanconi anemia complementation group U. Identifiers: MedGen C4310651, MONDO:0014987, OMIM 617247.
Hereditary cancer-predisposing syndrome. Also called: Tumor predisposition; Hereditary neoplastic syndrome; Neoplastic Syndromes, Hereditary; Hereditary Cancer Syndrome. Identifiers: Orphanet 140162, MedGen C0027672, MeSH D009386, MONDO:0015356.

Allele frequency attached by ClinVar (database versions not stated): 1000 Genomes Project 0.00100; 1000 Genomes Project 30x 0.00109; ExAC 0.00118; ESP Exome Variant Server 0.00123; gnomAD exomes 0.00139 and 0.00165; gnomAD 0.00141; TOPMed 0.00161.
gnomAD v4.1: 2,573 of 1,583,248 alleles (0.16%); highest among the groups gnomAD compares: Admixed American, 0.36%; 4 homozygotes.

Submissions (6):

Labcorp Genetics (formerly Invitae), Labcorp
Classification: Benign. Last evaluated: 2026-01-24. Review status: criteria provided, single submitter. Criteria: Invitae Variant Classification Sherloc (09022015). Collection method: clinical testing. Allele origin: germline.

Blueprint Genetics
Classification: Likely benign. Last evaluated: 2024-11-26. Review status: criteria provided, single submitter. Criteria: ACMG Guidelines, 2015. Collection method: clinical testing. Allele origin: germline.

KCCC/NGS Laboratory, Kuwait Cancer Control Center
Classification: Benign for Fanconi anemia complementation group U. Last evaluated: 2023-07-07. Review status: criteria provided, single submitter. Criteria: ACMG Guidelines, 2015. Collection method: clinical testing. Allele origin: germline. Affected: yes.

Mendelics
Classification: Likely benign for Fanconi anemia complementation group U. Last evaluated: 2019-05-28. Review status: criteria provided, single submitter. Criteria: Mendelics Assertion Criteria 2017. Collection method: clinical testing. Allele origin: unknown.

GeneDx
Classification: Benign. Last evaluated: 2014-01-16. Review status: criteria provided, single submitter. Criteria: GeneDx Variant Classification (06012015). Collection method: clinical testing. Allele origin: germline. Affected: yes.
Comment: This variant is considered likely benign or benign based on one or more of the following criteria: it is a conservative change, it occurs at a poorly conserved position in the protein, it is predicted to be benign by multiple in silico algorithms, and/or has population frequency not consistent with disease.

University of Washington Department of Laboratory Medicine, University of Washington
Classification: Likely benign for Hereditary cancer-predisposing syndrome. Last evaluated: 2015-12-01. Review status: no assertion criteria provided. Collection method: clinical testing. Allele origin: germline. Affected: yes. Not counted in ClinVar's aggregate classification.

NM_005431.2(XRCC2):c.40-16T>C

Gene: XRCC2 (X-ray repair cross complementing 2; minus strand). Cytogenetic location: 7q36.1.
Variant type: single nucleotide variant.
Coding change: c.40-16T>C on transcript NM_005431.2 (MANE Select); 16 bases into the intron before coding-DNA position 40, T replaced by C.
Molecular consequence: intron variant.
Genome position (GRCh38, 1-based): chr7:152,660,798, A>G on the plus strand (T>C on the coding strand, the complement: XRCC2 is on the minus strand). VCF-style: chr7-152660798-A-G. GRCh37 (hg19) VCF-style: chr7-152357883-A-G.
Identifiers: ClinVar variation 137929 (VCV000137929.13), dbSNP rs41274991, ClinGen allele CA291643.